The following is an entry in ClinVar:

ClinVar aggregate classification (germline): Benign. Review status: criteria provided, multiple submitters, no conflicts (2 of 4 stars). 2 submissions from 2 submitters: Benign (2). Last evaluated 2018-09-29.

Allele frequency attached by ClinVar (database versions not stated): gnomAD exomes 0.03885; gnomAD 0.10635 and 0.11111; TOPMed 0.11654; 1000 Genomes Project 0.12181; 1000 Genomes Project 30x 0.12555.
gnomAD v4.1: 47,384 of 950,756 alleles (5%); highest among the groups gnomAD compares: African/African-American, 29%; 3,218 homozygotes.

Submissions (2):

GeneDx
Classification: Benign. Last evaluated: 2018-09-29. Review status: criteria provided, single submitter. Criteria: GeneDx Variant Classification Process June 2021. Collection method: clinical testing. Allele origin: germline. Affected: yes.
Comment: This variant is associated with the following publications: (PMID: 28924542, 8647374)

Breakthrough Genomics
Classification: Benign. Review status: criteria provided, single submitter. Criteria: ACMG Guidelines, 2015. Collection method: not provided. Allele origin: germline. Inheritance: Autosomal recessive inheritance. Affected: yes.

NM_000039.3(APOA1):c.-21+67C>T

Genes: APOA1 (apolipoprotein A1; minus strand), APOA1-AS (APOA1 antisense RNA; plus strand). Cytogenetic location: 11q23.3.
Variant type: single nucleotide variant.
Coding change: c.-21+67C>T on transcript NM_000039.3 (MANE Select); 67 bases into the intron after 21 bases upstream of the start codon, C replaced by T.
Molecular consequence: intron variant. On other transcripts: 5 prime UTR variant (2).
Genome position (GRCh38, 1-based): chr11:116,837,538, G>A on the plus strand (C>T on the coding strand, the complement: APOA1 is on the minus strand). VCF-style: chr11-116837538-G-A. GRCh37 (hg19) VCF-style: chr11-116708254-G-A.
Other names: c.-31C>T (NM_001318017.2); c.-40C>T (NM_001425090.1); c.-191+67C>T (NM_001425091.1); c.-304+67C>T (NM_001318021.2); c.-340+67C>T (NM_001425092.1); c.-21+67C>T (NM_001425093.1); c.-21+21C>T (NM_001318018.2).
Identifiers: ClinVar variation 1239868 (VCV001239868.4), dbSNP rs5069, ClinGen allele CA15690857.